The following is an entry in ClinVar:

ClinVar aggregate classification (germline): Uncertain significance (1 of 4 stars; one submission).

Conditions:
Cardiovascular phenotype. Identifiers: MedGen CN230736.

Submission:

Ambry Genetics
Classification: Uncertain significance for Cardiovascular phenotype. Last evaluated: 2024-09-17. Review status: criteria provided, single submitter. Criteria: Ambry Variant Classification Scheme 2023. Collection method: clinical testing. Allele origin: germline.
Comment: The p.Q623H variant (also known as c.1869G>C), located in coding exon 12 of the GAA gene, results from a G to C substitution at nucleotide position 1869. The glutamine at codon 623 is replaced by histidine, an amino acid with highly similar properties. This amino acid position is conserved. In addition, this alteration is predicted to be tolerated by in silico analysis. Based on the available evidence, the clinical significance of this variant remains unclear.

NM_000152.5(GAA):c.1869G>C (p.Gln623His)

Gene: GAA (alpha glucosidase; plus strand). Cytogenetic location: 17q25.3.
Variant type: single nucleotide variant.
Coding change: c.1869G>C on transcript NM_000152.5 (MANE Select); coding-DNA position 1869, G replaced by C.
Protein change: p.Gln623His; replaces glutamine 623 with histidine.
Molecular consequence: missense variant.
Genome position (GRCh38, 1-based): chr17:80,112,692, G>C. VCF-style: chr17-80112692-G-C. GRCh37 (hg19) VCF-style: chr17-78086491-G-C.
Other names: c.1869G>C, p.Gln623His (NM_001079803.3, NM_001079804.3, NM_001406741.1 and 1 more transcripts); short protein forms Q623H.
Identifiers: ClinVar variation 3518096 (VCV003518096.1).